The following is an entry in ClinVar:

ClinVar aggregate classification (germline): Conflicting classifications of pathogenicity. Review status: criteria provided, conflicting classifications (1 of 4 stars). 3 submissions from 3 submitters: Uncertain significance (1); Likely benign (2). Last evaluated 2024-08-24.

Conditions:
Hereditary cancer-predisposing syndrome. Also called: Neoplastic Syndromes, Hereditary; Hereditary Cancer Syndrome; Tumor predisposition; Hereditary neoplastic syndrome. Identifiers: Orphanet 140162, MedGen C0027672, MeSH D009386, MONDO:0015356.

Submissions (3):

Quest Diagnostics Nichols Institute San Juan Capistrano
Classification: Uncertain significance. Last evaluated: 2024-08-24. Review status: criteria provided, single submitter. Criteria: Quest Diagnostics criteria. Collection method: clinical testing. Allele origin: unknown.
Comment: The AXIN2 c.2064G>A (p.Leu688=) synonymous variant has not been reported in individuals with AXIN2-related conditions in the published literature. It also has not been reported in large, multi-ethnic general populations (Genome Aggregation Database). Analysis of this variant using software algorithms for the prediction of the effect of nucleotide changes on splicing yielded predictions that this variant does not affect AXIN2 mRNA splicing. Based on the available information, we are unable to determine the clinical significance of this variant.

Ambry Genetics
Classification: Likely benign for Hereditary cancer-predisposing syndrome. Last evaluated: 2019-05-16. Review status: criteria provided, single submitter. Criteria: Ambry Variant Classification Scheme 2023. Collection method: clinical testing. Allele origin: germline.

GeneDx
Classification: Likely benign. Last evaluated: 2017-01-16. Review status: criteria provided, single submitter. Criteria: GeneDx Variant Classification (06012015). Collection method: clinical testing. Allele origin: germline. Affected: yes.
Comment: This variant is considered likely benign or benign based on one or more of the following criteria: it is a conservative change, it occurs at a poorly conserved position in the protein, it is predicted to be benign by multiple in silico algorithms, and/or has population frequency not consistent with disease.

NM_004655.4(AXIN2):c.2064G>A (p.Leu688=)

Gene: AXIN2 (axin 2; minus strand). Cytogenetic location: 17q24.1.
Variant type: single nucleotide variant.
Coding change: c.2064G>A on transcript NM_004655.4 (MANE Select); coding-DNA position 2064, G replaced by A.
Protein change: p.Leu688=; no amino-acid change (leucine 688 retained).
Molecular consequence: synonymous variant.
Genome position (GRCh38, 1-based): chr17:65,536,397, C>T on the plus strand (G>A on the coding strand, the complement: AXIN2 is on the minus strand). VCF-style: chr17-65536397-C-T. GRCh37 (hg19) VCF-style: chr17-63532515-C-T.
Other names: c.2064G>A (LRG_296t1); c.1869G>A, p.Leu623= (NM_001363813.1).
Identifiers: ClinVar variation 393100 (VCV000393100.4), dbSNP rs1057524787, ClinGen allele CA16607825.
Genomic context (GRCh38, chr17:65,536,397, plus strand): 5'-CGACACCTCAGCTAGCCTGCGACAGGCCTCCTCCAGCTGAGCCAGCGTGTTGGGTGGGGT[C>T]AGGGGAGGCATCGCAGGGTCCTGGGTGAACAGGTGGGCACGGGGGGTGGTGCGGGGGTGC-3'
Protein context (NP_004646.3, residues 678-698): LFTQDPAMPP[Leu688=]TPPNTLAQLE